The following is an entry in ClinVar:

ClinVar aggregate classification (germline): Uncertain significance (1 of 4 stars; one submission).

Allele frequency attached by ClinVar (database versions not stated): ExAC 0.00003; 1000 Genomes Project 30x 0.00016; 1000 Genomes Project 0.00020.
gnomAD v4.1: 41 of 1,614,204 alleles (0.0025%); highest among the groups gnomAD compares: Non-Finnish European, 0.0031%; no homozygotes.

Submission:

Labcorp Genetics (formerly Invitae), Labcorp
Classification: Uncertain significance. Last evaluated: 2025-08-04. Review status: criteria provided, single submitter. Criteria: Invitae Variant Classification Sherloc (09022015). Collection method: clinical testing. Allele origin: germline.
Comment: This sequence change replaces valine, which is neutral and non-polar, with isoleucine, which is neutral and non-polar, at codon 2169 of the FLNB protein (p.Val2169Ile). This variant is present in population databases (rs202238767, gnomAD 0.006%). This variant has not been reported in the literature in individuals affected with FLNB-related conditions. ClinVar contains an entry for this variant (Variation ID: 2190745). Invitae Evidence Modeling of protein sequence and biophysical properties (such as structural, functional, and spatial information, amino acid conservation, physicochemical variation, residue mobility, and thermodynamic stability) indicates that this missense variant is not expected to disrupt FLNB protein function with a negative predictive value of 95%. In summary, the available evidence is currently insufficient to determine the role of this variant in disease. Therefore, it has been classified as a Variant of Uncertain Significance.

NM_001457.4(FLNB):c.6505G>A (p.Val2169Ile)

Gene: FLNB (filamin B; plus strand). Cytogenetic location: 3p14.3.
Variant type: single nucleotide variant.
Coding change: c.6505G>A on transcript NM_001457.4 (MANE Select); coding-DNA position 6505, G replaced by A.
Protein change: p.Val2169Ile; replaces valine 2169 with isoleucine.
Molecular consequence: missense variant.
Genome position (GRCh38, 1-based): chr3:58,153,512, G>A. VCF-style: chr3-58153512-G-A. GRCh37 (hg19) VCF-style: chr3-58139239-G-A.
Other names: c.6598G>A, p.Val2200Ile (NM_001164317.2); c.6472G>A, p.Val2158Ile (NM_001164318.2); c.6433G>A, p.Val2145Ile (NM_001164319.2); short protein forms V2158I, V2169I, V2145I, V2200I.
Identifiers: ClinVar variation 2190745 (VCV002190745.4), dbSNP rs202238767, ClinGen allele CA2469413.